The following is an entry in ClinVar:

ClinVar aggregate classification (germline): Uncertain significance (1 of 4 stars; one submission).

Allele frequency attached by ClinVar (database versions not stated): gnomAD 0.00002; TOPMed 0.00002; ExAC 0.00004.
gnomAD v4.1: 26 of 1,613,068 alleles (0.0016%); highest among the groups gnomAD compares: Non-Finnish European, 0.0022%; no homozygotes.

Submission:

Labcorp Genetics (formerly Invitae), Labcorp
Classification: Uncertain significance. Last evaluated: 2024-11-11. Review status: criteria provided, single submitter. Criteria: Invitae Variant Classification Sherloc (09022015). Collection method: clinical testing. Allele origin: germline.
Comment: This sequence change replaces threonine, which is neutral and polar, with isoleucine, which is neutral and non-polar, at codon 1153 of the HMCN1 protein (p.Thr1153Ile). This variant is present in population databases (rs774598089, gnomAD 0.006%). This variant has not been reported in the literature in individuals affected with HMCN1-related conditions. ClinVar contains an entry for this variant (Variation ID: 2176722). An algorithm developed to predict the effect of missense changes on protein structure and function (PolyPhen-2) suggests that this variant is likely to be disruptive. In summary, the available evidence is currently insufficient to determine the role of this variant in disease. Therefore, it has been classified as a Variant of Uncertain Significance.

NM_031935.3(HMCN1):c.3458C>T (p.Thr1153Ile)

Gene: HMCN1 (hemicentin 1; plus strand). Cytogenetic location: 1q31.1.
Variant type: single nucleotide variant.
Coding change: c.3458C>T on transcript NM_031935.3 (MANE Select); coding-DNA position 3458, C replaced by T.
Protein change: p.Thr1153Ile; replaces threonine 1153 with isoleucine.
Molecular consequence: missense variant.
Genome position (GRCh38, 1-based): chr1:185,993,262, C>T. VCF-style: chr1-185993262-C-T. GRCh37 (hg19) VCF-style: chr1-185962394-C-T.
Other names: short protein forms T1153I.
Identifiers: ClinVar variation 2176722 (VCV002176722.4), dbSNP rs774598089, ClinGen allele CA1291725.